The following is an entry in ClinVar:

NM_001035.3(RYR2):c.7984T>C (p.Phe2662Leu)

Gene: RYR2 (ryanodine receptor 2; plus strand). Cytogenetic location: 1q43.
Variant type: single nucleotide variant.
Coding change: c.7984T>C on transcript NM_001035.3 (MANE Select); coding-DNA position 7984, T replaced by C.
Protein change: p.Phe2662Leu; replaces phenylalanine 2662 with leucine.
Molecular consequence: missense variant.
Genome position (GRCh38, 1-based): chr1:237,655,839, T>C. VCF-style: chr1-237655839-T-C. GRCh37 (hg19) VCF-style: chr1-237819139-T-C.
Other names: short protein forms F2662L.
Identifiers: ClinVar variation 3073435 (VCV003073435.1), dbSNP rs2148823138, ClinGen allele CA345400739.

ClinVar aggregate classification (germline): Uncertain significance (1 of 4 stars; one submission).

Conditions:
Catecholaminergic polymorphic ventricular tachycardia (CVPT). Also called: Catecholamine-induced polymorphic ventricular tachycardia. Identifiers: Orphanet 3286, MedGen C5574922, MONDO:0017990.

Submission:

All of Us Research Program, National Institutes of Health
Classification: Uncertain significance for Catecholaminergic polymorphic ventricular tachycardia. Last evaluated: 2023-09-17. Review status: criteria provided, single submitter. Criteria: ACMG Guidelines, 2015. Collection method: clinical testing. Allele origin: germline. Inheritance: Autosomal dominant inheritance. Observed: 1 variant allele, 1 heterozygote.
Comment: This missense variant replaces phenylalanine with leucine at codon 2662 of the RYR2 protein. Computational prediction suggests that this variant may have deleterious impact on protein structure and function (internally defined REVEL score threshold >= 0.7, PMID: 27666373). To our knowledge, functional studies have not been reported for this variant. This variant has not been reported in individuals affected with RYR2-related disorders in the literature. This variant has not been identified in the general population by the Genome Aggregation Database (gnomAD). The available evidence is insufficient to determine the role of this variant in disease conclusively. Therefore, this variant is classified as a Variant of Uncertain Significance.

This study involves interpretation of variants in research participants for the purpose of population health screening. Participant phenotype was not available at the time of variant classification. Additional details can be found in publication PMID: 35346344, PMCID: PMC8962531